The following is an entry in ClinVar:

NM_000154.2(GALK1):c.121A>T (p.Ile41Phe)

Gene: GALK1 (galactokinase 1; minus strand). Cytogenetic location: 17q25.1.
Variant type: single nucleotide variant.
Coding change: c.121A>T on transcript NM_000154.2 (MANE Select); coding-DNA position 121, A replaced by T.
Protein change: p.Ile41Phe; replaces isoleucine 41 with phenylalanine.
Molecular consequence: missense variant.
Genome position (GRCh38, 1-based): chr17:75,765,016, T>A on the plus strand (A>T on the coding strand, the complement: GALK1 is on the minus strand). VCF-style: chr17-75765016-T-A. GRCh37 (hg19) VCF-style: chr17-73761097-T-A.
Other names: c.121A>T, p.Ile41Phe (NM_001381985.1); short protein forms I41F.
Identifiers: ClinVar variation 1396581 (VCV001396581.8), dbSNP rs1185378925, ClinGen allele CA401109509.
Genomic context (GRCh38, chr17:75,765,016, plus strand): 5'-CCGTGCAGCCCCTCACCATAGGCAGCACCAGGCCCTGGTTGTAGTCCGTGTGTTCCCCGA[T>A]GAGGTTGACGCGGCCCGGCGCTGACACGGCCAGCTCGGGCTCGGCCCCGAACTCCTCCCG-3'
Protein context (NP_000145.1, residues 31-51): AVSAPGRVNL[Ile41Phe]GEHTDYNQGL

ClinVar aggregate classification (germline): Uncertain significance (1 of 4 stars; one submission).

Conditions:
Deficiency of galactokinase. Also called: Galactokinase deficiency with cataracts; GALACTOSEMIA II. Identifiers: Orphanet 352, Orphanet 79237, MedGen C0268155, MONDO:0009255, OMIM 230200.

Submission:

Labcorp Genetics (formerly Invitae), Labcorp
Classification: Uncertain significance for Deficiency of galactokinase. Last evaluated: 2022-09-01. Review status: criteria provided, single submitter. Criteria: Invitae Variant Classification Sherloc (09022015). Collection method: clinical testing. Allele origin: germline.
Comment: In summary, the available evidence is currently insufficient to determine the role of this variant in disease. Therefore, it has been classified as a Variant of Uncertain Significance. Algorithms developed to predict the effect of missense changes on protein structure and function are either unavailable or do not agree on the potential impact of this missense change (SIFT: "Deleterious"; PolyPhen-2: "Probably Damaging"; Align-GVGD: "Class C0"). ClinVar contains an entry for this variant (Variation ID: 1396581). This variant has not been reported in the literature in individuals affected with GALK1-related conditions. This variant is present in population databases (no rsID available, gnomAD 0.01%). This sequence change replaces isoleucine, which is neutral and non-polar, with phenylalanine, which is neutral and non-polar, at codon 41 of the GALK1 protein (p.Ile41Phe).